The following is an entry in ClinVar:

NM_001382391.1(CSPP1):c.2968+1G>T

Gene: CSPP1 (centrosome and spindle pole associated protein 1; plus strand). Cytogenetic location: 8q13.2.
Variant type: single nucleotide variant.
Coding change: c.2968+1G>T on transcript NM_001382391.1 (MANE Select); the canonical splice donor site of the intron after coding-DNA position 2968, G replaced by T.
Molecular consequence: splice donor variant.
Genome position (GRCh38, 1-based): chr8:67,172,556, G>T. VCF-style: chr8-67172556-G-T. GRCh37 (hg19) VCF-style: chr8-68084791-G-T.
Other names: c.2773+1G>T (NM_001363132.2); c.2887+1G>T (NM_001363131.2); c.2692+1G>T (NM_001363133.2); c.3034+1G>T (NM_001364869.1); c.2953+1G>T (NM_024790.7, NM_001438331.1); c.2800+1G>T (NM_001438330.1); c.2854+1G>T (NM_001364870.1); c.2269+1G>T (NM_001438332.1); and 1 more.
Identifiers: ClinVar variation 804338 (VCV000804338.7), dbSNP rs587777142, ClinGen allele CA4770994.

ClinVar aggregate classification (germline): Pathogenic. Review status: criteria provided, multiple submitters, no conflicts (2 of 4 stars). 3 submissions from 3 submitters: Pathogenic (3). Last evaluated 2026-03-22.

Conditions:
Joubert syndrome 21 (JBTS21). Identifiers: MedGen C3810212, MONDO:0014288, OMIM 615636.

Allele frequency attached by ClinVar (database versions not stated): gnomAD exomes 0.00001; TOPMed 0.00001; ExAC 0.00001.
gnomAD v4.1: 11 of 1,609,486 alleles (0.00068%); highest among the groups gnomAD compares: Non-Finnish European, 0.00093%; no homozygotes.

Submissions (3):

GeneDx
Classification: Pathogenic. Last evaluated: 2026-03-22. Review status: criteria provided, single submitter. Criteria: GeneDx Variant Classification Process June 2021. Collection method: clinical testing. Allele origin: germline.
Comment: Canonical splice site variant predicted to result in a null allele in a gene for which loss of function is a known mechanism of disease; Not observed at significant frequency in large population cohorts (gnomAD); Has not been previously published as pathogenic or benign in association with a CSPP1-related disorder to our knowledge; This variant is associated with the following publications: (PMID: 31964843)

Labcorp Genetics (formerly Invitae), Labcorp
Classification: Pathogenic for Joubert syndrome 21. Last evaluated: 2025-02-19. Review status: criteria provided, single submitter. Criteria: Invitae Variant Classification Sherloc (09022015). Collection method: clinical testing. Allele origin: germline.
Comment: This sequence change affects a donor splice site in intron 23 of the CSPP1 gene. It is expected to disrupt RNA splicing. Variants that disrupt the donor or acceptor splice site typically lead to a loss of protein function (PMID: 16199547), and loss-of-function variants in CSPP1 are known to be pathogenic (PMID: 24360807, 24360808). This variant is present in population databases (rs587777142, gnomAD 0.002%). Disruption of this splice site has been observed in individual(s) with Joubert syndrome (PMID: 24360808). In at least one individual the data is consistent with being in trans (on the opposite chromosome) from a pathogenic variant. ClinVar contains an entry for this variant (Variation ID: 804338). Algorithms developed to predict the effect of sequence changes on RNA splicing suggest that this variant may disrupt the consensus splice site. For these reasons, this variant has been classified as Pathogenic.

Molecular Diagnostics Laboratory, M Health Fairview: University of Minnesota
Classification: Pathogenic for Joubert syndrome 21. Last evaluated: 2019-06-12. Review status: criteria provided, single submitter. Criteria: ACMG Guidelines, 2015. Collection method: clinical testing. Allele origin: germline. Affected: yes. Observed: 2 variant alleles.

Literature cited by the submitters: PubMed 16199547 (cited by Labcorp Genetics (formerly Invitae), Labcorp); PubMed 24360807 (cited by Labcorp Genetics (formerly Invitae), Labcorp); PubMed 24360808 (cited by Labcorp Genetics (formerly Invitae), Labcorp and Molecular Diagnostics Laboratory, M Health Fairview: University of Minnesota).